The following is an entry in ClinVar:

ClinVar aggregate classification (germline): Likely pathogenic (1 of 4 stars; one submission).

Conditions:
Heart defects, congenital, and other congenital anomalies. Also called: PANCREATIC HYPOPLASIA, CONGENITAL, WITH DIABETES MELLITUS AND CONGENITAL HEART DISEASE; Pancreatic hypoplasia-diabetes-congenital heart disease syndrome. Identifiers: Orphanet 2255, MedGen C2931296, MONDO:0010802, OMIM 600001.

Submission:

Genomics, Clalit Research Institute, Clalit Health Care
Classification: Likely pathogenic for Heart defects, congenital, and other congenital anomalies. Review status: criteria provided, single submitter. Criteria: ACMG Guidelines, 2015. Collection method: clinical testing. Allele origin: germline. Inheritance: Autosomal dominant inheritance. Affected: yes. Observed: 1 heterozygote.
Comment: Frequency: The variant is absent from the gnomAD reference population dataset. Variant type: Frameshift, predicted to lead to nonsense mediated decay, in a gene where LOF is a known mechanism of disease. Clinical evidence: To date, the variant has not been described by reputable sources or in the primary literature. PM2, PVS1

NM_005257.6(GATA6):c.690_708del (p.Asp231fs)

Gene: GATA6 (GATA binding protein 6; plus strand). Cytogenetic location: 18q11.2.
Variant type: Deletion.
Coding change: c.690_708del on transcript NM_005257.6 (MANE Select); coding-DNA positions 690 to 708, 19 bases deleted (CGACAGCCCTCCATACGGC).
Protein change: p.Asp231fs; shifts the reading frame from aspartic acid 231.
Molecular consequence: frameshift variant.
Genome position (GRCh38, 1-based): chr18:22,171,834-22,171,852, CGACAGCCCTCCATACGGC deleted; deleting any 19 consecutive bases within chr18:22,171,830-22,171,852 gives the same sequence; the c. name uses the placement nearest the transcript's 3' end. VCF-style (leftmost placement, unchanged base first): chr18-22171829-TCGGCCGACAGCCCTCCATA-T. GRCh37 (hg19) VCF-style: chr18-19751790-TCGGCCGACAGCCCTCCATA-T.
Other names: short protein forms D231fs.
Identifiers: ClinVar variation 3385320 (VCV003385320.2).